The following is an entry in ClinVar:

ClinVar aggregate classification (germline): Uncertain significance (1 of 4 stars; one submission).

gnomAD v4.1: 3 of 1,614,122 alleles (0.00019%); highest among the groups gnomAD compares: South Asian, 0.0022%; no homozygotes.

Submission:

Women's Health and Genetics/Laboratory Corporation of America, LabCorp
Classification: Uncertain significance. Last evaluated: 2024-07-10. Review status: criteria provided, single submitter. Criteria: LabCorp Variant Classification Summary - May 2015. Collection method: clinical testing. Allele origin: germline.
Comment: Variant summary: FAT2 c.6151G>A (p.Val2051Met) results in a conservative amino acid change located in the Cadherin-like repeat (IPR002126) of the encoded protein sequence. Three of five in-silico tools predict a damaging effect of the variant on protein function. The variant allele was found at a frequency of 8e-06 in 250814 control chromosomes. The available data on variant occurrences in the general population are insufficient to allow any conclusion about variant significance. To our knowledge, no occurrence of c.6151G>A in individuals affected with Spinocerebellar Ataxia 45 and no experimental evidence demonstrating its impact on protein function have been reported. No submitters have cited clinical-significance assessments for this variant to ClinVar. Based on the evidence outlined above, the variant was classified as uncertain significance.

NM_001447.3(FAT2):c.6151G>A (p.Val2051Met)

Genes: FAT2 (FAT atypical cadherin 2; minus strand), SLC36A1 (solute carrier family 36 member 1; plus strand). Cytogenetic location: 5q33.1.
Variant type: single nucleotide variant.
Coding change: c.6151G>A on transcript NM_001447.3 (MANE Select); coding-DNA position 6151, G replaced by A.
Protein change: p.Val2051Met; replaces valine 2051 with methionine.
Molecular consequence: missense variant.
Genome position (GRCh38, 1-based): chr5:151,544,976, C>T on the plus strand (G>A on the coding strand, the complement: FAT2 is on the minus strand). VCF-style: chr5-151544976-C-T. GRCh37 (hg19) VCF-style: chr5-150924537-C-T.
Other names: short protein forms V2051M.
Identifiers: ClinVar variation 3338959 (VCV003338959.1).